The following is an entry in ClinVar:

ClinVar aggregate classification (germline): Uncertain significance (1 of 4 stars; one submission).

Conditions:
Long QT syndrome (LQTS). Identifiers: MedGen C0023976, MeSH D008133, MONDO:0002442. Disease mechanism: loss of function. Inheritance: Various modes of inheritance.

Allele frequency attached by ClinVar (database versions not stated): ExAC 0.00001; ESP Exome Variant Server 0.00008.
gnomAD v4.1: 1 of 1,609,860 alleles (0.000062%); no homozygotes.

Submission:

Labcorp Genetics (formerly Invitae), Labcorp
Classification: Uncertain significance for Long QT syndrome. Last evaluated: 2022-09-17. Review status: criteria provided, single submitter. Criteria: Invitae Variant Classification Sherloc (09022015). Collection method: clinical testing. Allele origin: germline.
Comment: In summary, the available evidence is currently insufficient to determine the role of this variant in disease. Therefore, it has been classified as a Variant of Uncertain Significance. Algorithms developed to predict the effect of sequence changes on RNA splicing suggest that this variant may create or strengthen a splice site. This variant has not been reported in the literature in individuals affected with KCNQ1-related conditions. This variant is present in population databases (rs368353076, gnomAD 0.0009%). This sequence change falls in intron 4 of the KCNQ1 gene. It does not directly change the encoded amino acid sequence of the KCNQ1 protein.

NM_000218.3(KCNQ1):c.684-12T>A

Gene: KCNQ1 (potassium voltage-gated channel subfamily Q member 1; plus strand). Cytogenetic location: 11p15.5.
Variant type: single nucleotide variant.
Coding change: c.684-12T>A on transcript NM_000218.3 (MANE Select); 12 bases into the intron before coding-DNA position 684, T replaced by A.
Molecular consequence: intron variant.
Genome position (GRCh38, 1-based): chr11:2,572,001, T>A. VCF-style: chr11-2572001-T-A. GRCh37 (hg19) VCF-style: chr11-2593231-T-A.
Other names: c.414-12T>A (NM_001406837.1); c.684-12T>A (NM_001406836.1); c.478-11434T>A (NM_001406838.1); c.303-12T>A (NM_181798.2).
Identifiers: ClinVar variation 2144986 (VCV002144986.4), dbSNP rs368353076, ClinGen allele CA039851.